The following is an entry in ClinVar:

NM_024675.4(PALB2):c.2587-13G>T

Gene: PALB2 (partner and localizer of BRCA2; minus strand). Cytogenetic location: 16p12.2.
Variant type: single nucleotide variant.
Coding change: c.2587-13G>T on transcript NM_024675.4 (MANE Select); 13 bases into the intron before coding-DNA position 2587, G replaced by T.
Molecular consequence: intron variant.
Genome position (GRCh38, 1-based): chr16:23,626,410, C>A on the plus strand (G>T on the coding strand, the complement: PALB2 is on the minus strand). VCF-style: chr16-23626410-C-A. GRCh37 (hg19) VCF-style: chr16-23637731-C-A.
Other names: c.1702-13G>T (NM_001407308.1, NM_001407306.1, NM_001407309.1 and 4 more transcripts); c.121-13G>T (NM_001407314.1); c.799-13G>T (NM_001407313.1, NM_001407312.1); c.2527-13G>T (NM_001407296.1); c.2515-13G>T (NM_001407297.1); c.2587-2316G>T (NM_001407302.1, NM_001407298.1); c.2587-13G>T (NM_001407300.1, NM_001407299.1, NM_001407301.1); c.1702-2316G>T (NM_001407307.1).
Identifiers: ClinVar variation 2843228 (VCV002843228.4), dbSNP rs2506375640, ClinGen allele CA2739266667.

ClinVar aggregate classification (germline): Likely benign. Review status: criteria provided, multiple submitters, no conflicts (2 of 4 stars). 2 submissions from 2 submitters: Likely benign (2). Last evaluated 2025-01-16.

Conditions:
Familial cancer of breast. Also called: hereditary breast carcinoma; BREAST CANCER, FAMILIAL; Hereditary breast cancer. Identifiers: Orphanet 227535, MedGen C0346153, MONDO:0016419, OMIM 114480. Disease mechanism: loss of function.

Submissions (2):

Myriad Genetics, Inc.
Classification: Likely benign for Familial cancer of breast. Last evaluated: 2025-01-16. Review status: criteria provided, single submitter. Criteria: Myriad Autosomal Dominant, Autosomal Recessive and X-Linked Classification Criteria (2023). Collection method: clinical testing. Allele origin: unknown.
Comment: This variant is considered likely benign. This variant is intronic and is not expected to impact mRNA splicing.

Labcorp Genetics (formerly Invitae), Labcorp
Classification: Likely benign for Familial cancer of breast. Last evaluated: 2023-03-17. Review status: criteria provided, single submitter. Criteria: Invitae Variant Classification Sherloc (09022015). Collection method: clinical testing. Allele origin: germline.